The following is an entry in ClinVar:

ClinVar aggregate classification (germline): Pathogenic/Likely pathogenic. Review status: criteria provided, multiple submitters, no conflicts (2 of 4 stars). 2 submissions from 2 submitters: Pathogenic (1); Likely pathogenic (1). Last evaluated 2025-08-19.

Conditions:
Methylmalonic aciduria due to complete methylmalonyl-CoA mutase deficiency.

Submissions (2):

Natera, Inc.
Classification: Likely pathogenic for Methylmalonic aciduria due to complete methylmalonyl-CoA mutase deficiency. Last evaluated: 2025-08-19. Review status: criteria provided, single submitter. Criteria: Natera Variant Classification Schema (03/2026). Collection method: clinical testing. Allele origin: germline.
Comment: The c.406G>T variant in MMUT is a missense variant predicted to cause substitution of valine to phenylalanine at amino acid 136. This variant is rare in the general population with a frequency below the threshold expected for the associated phenotype(s). This variant has been observed in one or more individuals affected with the associated recessive disease, as either homozygous or compound heterozygous with a second variant (PMID: 39494389, 32451238, 27233228). This variant has been identified in one or more affected individual with a phenotype highly consistent with the associated gene (PMID: 39494389,32451238, 27233228). Computational prediction algorithms indicate this variant is likely to affect gene or protein function. Given the available evidence, this variant is classified as Likely Pathogenic.

Labcorp Genetics (formerly Invitae), Labcorp
Classification: Pathogenic. Last evaluated: 2024-10-24. Review status: criteria provided, single submitter. Criteria: Invitae Variant Classification Sherloc (09022015). Collection method: clinical testing. Allele origin: germline.
Comment: This sequence change replaces valine, which is neutral and non-polar, with phenylalanine, which is neutral and non-polar, at codon 136 of the MUT protein (p.Val136Phe). This variant is not present in population databases (gnomAD no frequency). This missense change has been observed in individual(s) with methylmalonic aciduria (PMID: 23045948, 27233228). In at least one individual the data is consistent with being in trans (on the opposite chromosome) from a pathogenic variant. ClinVar contains an entry for this variant (Variation ID: 1071892). Invitae Evidence Modeling of protein sequence and biophysical properties (such as structural, functional, and spatial information, amino acid conservation, physicochemical variation, residue mobility, and thermodynamic stability) indicates that this missense variant is expected to disrupt MUT protein function with a positive predictive value of 95%. For these reasons, this variant has been classified as Pathogenic.

Literature cited by the submitters: PubMed 39494389 (cited by Natera, Inc.); PubMed 32451238 (cited by Natera, Inc.); PubMed 27233228 (cited by Natera, Inc. and Labcorp Genetics (formerly Invitae), Labcorp); PubMed 23045948 (cited by Labcorp Genetics (formerly Invitae), Labcorp).

NM_000255.4(MMUT):c.406G>T (p.Val136Phe)

Gene: MMUT (methylmalonyl-CoA mutase; minus strand). Cytogenetic location: 6p12.3.
Variant type: single nucleotide variant.
Coding change: c.406G>T on transcript NM_000255.4 (MANE Select); coding-DNA position 406, G replaced by T.
Protein change: p.Val136Phe; replaces valine 136 with phenylalanine.
Molecular consequence: missense variant.
Genome position (GRCh38, 1-based): chr6:49,458,038, C>A on the plus strand (G>T on the coding strand, the complement: MMUT is on the minus strand). VCF-style: chr6-49458038-C-A. GRCh37 (hg19) VCF-style: chr6-49425751-C-A.
Other names: c.406G>T (NM_000255.3); short protein forms V136F.
Identifiers: ClinVar variation 1071892 (VCV001071892.10), dbSNP rs1767739165, ClinGen allele CA364404792.